The following is an entry in ClinVar:

ClinVar aggregate classification (germline): Pathogenic. Review status: criteria provided, multiple submitters, no conflicts (2 of 4 stars). 2 submissions from 2 submitters: Pathogenic (2). Last evaluated 2024-05-14.

Conditions:
MTTP-related disorder. Also called: MTTP-related condition.
Abetalipoproteinaemia (ABL). Also called: MTP DEFICIENCY; Abetalipoproteinemia; Abetalipoproteinemia neuropathy; Apolipoprotein B deficiency; Congenital betalipoprotein deficiency syndrome. Identifiers: Orphanet 14, MedGen C0000744, MONDO:0008692, OMIM 200100, HP:0008181.

Submissions (2):

Myriad Genetics, Inc.
Classification: Pathogenic for Abetalipoproteinaemia. Last evaluated: 2024-05-14. Review status: criteria provided, single submitter. Criteria: Myriad Autosomal Dominant, Autosomal Recessive and X-Linked Classification Criteria (2023). Collection method: clinical testing. Allele origin: unknown.
Comment: NM_000253.2(MTTP):c.1820delG(R607Lfs*15) is expected to be pathogenic in the context of abetalipoproteinemia. This variant is predicted to lead to an abnormal or absent protein product due to the creation of a premature termination codon in MTTP, a gene where loss-of-function variants are known to be pathogenic. Please note: this variant was assessed in the context of healthy population screening.

Blueprint Genetics
Classification: Pathogenic for MTTP-related disorders. Last evaluated: 2022-06-27. Review status: criteria provided, single submitter. Criteria: ACMG Guidelines, 2015. Collection method: clinical testing. Allele origin: germline. Affected: yes. Observed: 1 variant allele.

NM_001386140.1(MTTP):c.1820del (p.Arg607fs)

Gene: MTTP (microsomal triglyceride transfer protein; plus strand). Cytogenetic location: 4q23.
Variant type: Deletion.
Coding change: c.1820del on transcript NM_001386140.1 (MANE Select); coding-DNA position 1820, one base deleted (G; older notation c.1820delG).
Protein change: p.Arg607fs; shifts the reading frame from arginine 607.
Molecular consequence: frameshift variant.
Genome position (GRCh38, 1-based): chr4:99,611,193, G deleted. VCF-style (leftmost placement, unchanged base first): chr4-99611192-CG-C. GRCh37 (hg19) VCF-style: chr4-100532349-CG-C.
Other names: c.1820del, p.Arg607fs (NM_000253.4); c.1571del, p.Arg524fs (NM_001300785.2); short protein forms R524fs, R607fs.
Identifiers: ClinVar variation 4967904 (VCV004967904.2).
Genomic context (GRCh38, chr4:99,611,192, plus strand): 5'-ATATGTTGCAGCAAAATTGTCCGTCGAGTTCTGAAGGAAATGGTCGCTCACAATTATGAC[CG>C]TTTCTCCAGGAGTGGATCTTCTTCTGCCTACACTGGCTACATAGAACGTATGTACACCAA-3'